The following is an entry in ClinVar:

ClinVar aggregate classification (germline): Conflicting classifications of pathogenicity. Review status: criteria provided, conflicting classifications (1 of 4 stars). 5 submissions from 5 submitters: Uncertain significance (2); Benign (1); Likely benign (1). 1 of the submissions does not count toward it. Last evaluated 2026-01-01.

Conditions:
Hyperalphalipoproteinemia 1 (HALP1). Also called: CETP-Related Hyperalphalipoproteinemia; CETP DEFICIENCY. Identifiers: MedGen C3149462, OMIM 143470.

Allele frequency attached by ClinVar (database versions not stated): gnomAD exomes 0.00106 and 0.00257; TOPMed 0.00122; gnomAD 0.00066 and 0.00102; ExAC 0.00239; 1000 Genomes Project 30x 0.00531; 1000 Genomes Project 0.00619.
gnomAD v4.1: 1,697 of 1,614,202 alleles (0.11%); highest among the groups gnomAD compares: East Asian, 3.3%; 27 homozygotes.

Submissions (5):

CeGaT Center for Human Genetics Tuebingen
Classification: Likely benign. Last evaluated: 2026-01-01. Review status: criteria provided, single submitter. Criteria: CeGaT Center For Human Genetics Tuebingen Variant Classification Criteria Version 2. Collection method: clinical testing. Allele origin: germline. Affected: yes. Observed: 1 variant allele.
Comment: CETP: BP4

Mayo Clinic Laboratories, Mayo Clinic
Classification: Uncertain significance. Last evaluated: 2023-10-26. Review status: criteria provided, single submitter. Criteria: ACMG Guidelines, 2015. Collection method: clinical testing. Allele origin: germline. Observed: 1 variant allele.
Comment: BS1, BP4

GeneDx
Classification: Uncertain significance. Last evaluated: 2023-06-26. Review status: criteria provided, single submitter. Criteria: GeneDx Variant Classification Process June 2021. Collection method: clinical testing. Allele origin: germline. Affected: yes.
Comment: Reported as a common variant in the East Asian population and is associated with increased HDL-C levels; however, this variant is not associated with decreased LDL-C levels and there is no evidence of a cardioprotective effect (Takahashi et al., 1993; Inazu et al., 1994; Thompson et al., 2009; Khovidhunkit et al., 2012; Millwood et al., 2018); In silico analysis supports that this missense variant has a deleterious effect on protein structure/function; Functional studies demonstrate that this variant leads to a decrease of CETP activity (Takahashi et al., 1993; Thompson et al., 2009); This variant is associated with the following publications: (PMID: 24497850, 28173125, 8408659, 27516387, 18468607, 25525159, 27896098, 7962532, 25629512, 19444232, 26690388, 29083407, 22464213, 21354572, 27659420, 29141072, 9116424, 31180159, 33358712, 20981092, 12482565, 34426522, 7605382, 7989465, 35174233, 34011801)

Illumina Laboratory Services, Illumina
Classification: Benign for Hyperalphalipoproteinemia 1. Last evaluated: 2018-03-06. Review status: criteria provided, single submitter. Criteria: ICSL Variant Classification Criteria 13 December 2019. Collection method: clinical testing. Allele origin: germline.
Comment: This variant was observed in the ICSL laboratory as part of a predisposition screen in an ostensibly healthy population. It had not been previously curated by ICSL or reported in the Human Gene Mutation Database (HGMD: prior to June 1st, 2018), and was therefore a candidate for classification through an automated scoring system. Utilizing variant allele frequency, disease prevalence and penetrance estimates, and inheritance mode, an automated score was calculated to assess if this variant is too frequent to cause the disease. Based on the score and internal cut-off values, a variant classified as benign is not then subjected to further curation. The score for this variant resulted in a classification of benign for this disease.

OMIM
Classification: Pathogenic for HYPERALPHALIPOPROTEINEMIA 1. Last evaluated: 1995-04-24. Review status: no assertion criteria provided. Collection method: literature only. Allele origin: germline. Not counted in ClinVar's aggregate classification.

Literature cited by the submitters: PubMed 12482565 (cited by Mayo Clinic Laboratories, Mayo Clinic); PubMed 18468607 (cited by Mayo Clinic Laboratories, Mayo Clinic); PubMed 19444232 (cited by Mayo Clinic Laboratories, Mayo Clinic); PubMed 22464213 (cited by Mayo Clinic Laboratories, Mayo Clinic); PubMed 24497850 (cited by Mayo Clinic Laboratories, Mayo Clinic); PubMed 26690388 (cited by Mayo Clinic Laboratories, Mayo Clinic); PubMed 27516387 (cited by Mayo Clinic Laboratories, Mayo Clinic); PubMed 27896098 (cited by Mayo Clinic Laboratories, Mayo Clinic); PubMed 28173125 (cited by Mayo Clinic Laboratories, Mayo Clinic); PubMed 29083407 (cited by Mayo Clinic Laboratories, Mayo Clinic); PubMed 29141072 (cited by Mayo Clinic Laboratories, Mayo Clinic); PubMed 31180159 (cited by Mayo Clinic Laboratories, Mayo Clinic); PubMed 33358712 (cited by Mayo Clinic Laboratories, Mayo Clinic); PubMed 34011801 (cited by Mayo Clinic Laboratories, Mayo Clinic); PubMed 35174233 (cited by Mayo Clinic Laboratories, Mayo Clinic); PubMed 7605382 (cited by Mayo Clinic Laboratories, Mayo Clinic and OMIM); PubMed 7962532 (cited by Mayo Clinic Laboratories, Mayo Clinic and OMIM); PubMed 7989465 (cited by Mayo Clinic Laboratories, Mayo Clinic and OMIM); PubMed 8408659 (cited by Mayo Clinic Laboratories, Mayo Clinic and OMIM); PubMed 9116424 (cited by Mayo Clinic Laboratories, Mayo Clinic).

NM_000078.3(CETP):c.1376A>G (p.Asp459Gly)

Gene: CETP (cholesteryl ester transfer protein; plus strand). Cytogenetic location: 16q13.
Variant type: single nucleotide variant.
Coding change: c.1376A>G on transcript NM_000078.3 (MANE Select); coding-DNA position 1376, A replaced by G.
Protein change: p.Asp459Gly; replaces aspartic acid 459 with glycine.
Molecular consequence: missense variant.
Genome position (GRCh38, 1-based): chr16:56,983,380, A>G. VCF-style: chr16-56983380-A-G. GRCh37 (hg19) VCF-style: chr16-57017292-A-G.
Other names: D442G; c.1196A>G, p.Asp399Gly (NM_001286085.2); short protein forms D459G, D399G.
Identifiers: ClinVar variation 17527 (VCV000017527.13), dbSNP rs2303790, ClinGen allele CA130258.